The following is an entry in ClinVar:

NM_005228.5(EGFR):c.776C>A (p.Thr259Lys)

Gene: EGFR (epidermal growth factor receptor; plus strand). Cytogenetic location: 7p11.2.
Variant type: single nucleotide variant.
Coding change: c.776C>A on transcript NM_005228.5 (MANE Select); coding-DNA position 776, C replaced by A.
Protein change: p.Thr259Lys; replaces threonine 259 with lysine.
Molecular consequence: missense variant. On other transcripts: intron variant (1).
Genome position (GRCh38, 1-based): chr7:55,154,039, C>A. VCF-style: chr7-55154039-C-A. GRCh37 (hg19) VCF-style: chr7-55221732-C-A.
Other names: c.641C>A, p.Thr214Lys (NM_001346897.2, NM_001346899.2); c.776C>A, p.Thr259Lys (NM_001346898.2, NM_201282.2, NM_201283.2 and 1 more transcripts); c.617C>A, p.Thr206Lys (NM_001346900.2); c.89-1791C>A (NM_001346941.2); short protein forms T214K, T259K, T206K.
Identifiers: ClinVar variation 2175643 (VCV002175643.4), dbSNP rs766478921, ClinGen allele CA367577644.

ClinVar aggregate classification (germline): Uncertain significance (1 of 4 stars; one submission).

Conditions:
EGFR-related lung cancer (EGFR). Identifiers: MedGen CN130014.

Submission:

Labcorp Genetics (formerly Invitae), Labcorp
Classification: Uncertain significance for EGFR-related lung cancer. Last evaluated: 2022-08-06. Review status: criteria provided, single submitter. Criteria: Invitae Variant Classification Sherloc (09022015). Collection method: clinical testing. Allele origin: germline.
Comment: In summary, the available evidence is currently insufficient to determine the role of this variant in disease. Therefore, it has been classified as a Variant of Uncertain Significance. Algorithms developed to predict the effect of missense changes on protein structure and function are either unavailable or do not agree on the potential impact of this missense change (SIFT: "Deleterious"; PolyPhen-2: "Probably Damaging"; Align-GVGD: "Class C0"). This variant has not been reported in the literature in individuals affected with EGFR-related conditions. This variant is not present in population databases (gnomAD no frequency). This sequence change replaces threonine, which is neutral and polar, with lysine, which is basic and polar, at codon 259 of the EGFR protein (p.Thr259Lys).